The following is an entry in ClinVar:

ClinVar aggregate classification (germline): Uncertain significance (1 of 4 stars; one submission).

Submission:

GeneDx
Classification: Uncertain significance. Last evaluated: 2023-02-27. Review status: criteria provided, single submitter. Criteria: GeneDx Variant Classification Process June 2021. Collection method: clinical testing. Allele origin: germline. Affected: yes.
Comment: Not observed at significant frequency in large population cohorts (gnomAD); In silico analysis supports that this missense variant has a deleterious effect on protein structure/function; Has not been previously published as pathogenic or benign to our knowledge

NM_000937.5(POLR2A):c.3382A>G (p.Ile1128Val)

Gene: POLR2A (RNA polymerase II subunit A; plus strand). Cytogenetic location: 17p13.1.
Variant type: single nucleotide variant.
Coding change: c.3382A>G on transcript NM_000937.5 (MANE Select); coding-DNA position 3382, A replaced by G.
Protein change: p.Ile1128Val; replaces isoleucine 1128 with valine.
Molecular consequence: missense variant.
Genome position (GRCh38, 1-based): chr17:7,508,392, A>G. VCF-style: chr17-7508392-A-G. GRCh37 (hg19) VCF-style: chr17-7411711-A-G.
Other names: short protein forms I1128V.
Identifiers: ClinVar variation 2578151 (VCV002578151.1), dbSNP rs2508170284, ClinGen allele CA397808340.